The following is an entry in ClinVar:

NM_000057.4(BLM):c.1154C>A (p.Thr385Asn)

Gene: BLM (BLM RecQ like helicase; plus strand). Cytogenetic location: 15q26.1.
Variant type: single nucleotide variant.
Coding change: c.1154C>A on transcript NM_000057.4 (MANE Select); coding-DNA position 1154, C replaced by A.
Protein change: p.Thr385Asn; replaces threonine 385 with asparagine.
Molecular consequence: missense variant.
Genome position (GRCh38, 1-based): chr15:90,760,213, C>A. VCF-style: chr15-90760213-C-A. GRCh37 (hg19) VCF-style: chr15-91303443-C-A.
Other names: c.1154C>A (NM_000057.2); c.1154C>A, p.Thr385Asn (NM_001287246.2, NM_001287247.2); c.29C>A, p.Thr10Asn (NM_001287248.2); short protein forms T385N, T10N.
Identifiers: ClinVar variation 1475537 (VCV001475537.6), dbSNP rs202009716, ClinGen allele CA7738473.
Genomic context (GRCh38, chr15:90,760,213, plus strand): 5'-AGATAAGTTTACAGCAGCAGCTTATTCATGTGATGGAGCACATCTGTAAATTAATTGATA[C>A]TATTCCTGATGATAAACTGAAACTTTTGGATTGTGGGAACGAACTGCTTCAGCAGCGGAA-3'
Protein context (NP_000048.1, residues 375-395): VMEHICKLID[Thr385Asn]IPDDKLKLLD

ClinVar aggregate classification (germline): Conflicting classifications of pathogenicity. Review status: criteria provided, conflicting classifications (1 of 4 stars). 2 submissions from 2 submitters: Uncertain significance (1); Likely benign (1). Last evaluated 2026-02-01.

Conditions:
Hereditary cancer-predisposing syndrome. Also called: Neoplastic Syndromes, Hereditary; Hereditary Cancer Syndrome; Tumor predisposition; Hereditary neoplastic syndrome. Identifiers: Orphanet 140162, MedGen C0027672, MeSH D009386, MONDO:0015356.
Bloom syndrome (BLM). Also called: Bloom-Torre-Machacek syndrome. Identifiers: Orphanet 125, MedGen C0005859, MONDO:0008876, OMIM 210900.

Allele frequency attached by ClinVar (database versions not stated): ExAC 0.00001; gnomAD exomes 0.00001 and 0.00003; 1000 Genomes Project 30x 0.00016; 1000 Genomes Project 0.00020.
gnomAD v4.1: 41 of 1,613,566 alleles (0.0025%); highest among the groups gnomAD compares: Non-Finnish European, 0.0034%; no homozygotes.

Submissions (2):

Labcorp Genetics (formerly Invitae), Labcorp
Classification: Uncertain significance for Bloom syndrome. Last evaluated: 2026-02-01. Review status: criteria provided, single submitter. Criteria: Invitae Variant Classification Sherloc (09022015). Collection method: clinical testing. Allele origin: germline.
Comment: This sequence change replaces threonine, which is neutral and polar, with asparagine, which is neutral and polar, at codon 385 of the BLM protein (p.Thr385Asn). This variant is present in population databases (rs202009716, gnomAD 0.002%). This variant has not been reported in the literature in individuals affected with BLM-related conditions. ClinVar contains an entry for this variant (Variation ID: 1475537). Invitae Evidence Modeling of protein sequence and biophysical properties (such as structural, functional, and spatial information, amino acid conservation, physicochemical variation, residue mobility, and thermodynamic stability) indicates that this missense variant is not expected to disrupt BLM protein function with a negative predictive value of 80%. In summary, the available evidence is currently insufficient to determine the role of this variant in disease. Therefore, it has been classified as a Variant of Uncertain Significance.

Ambry Genetics
Classification: Likely benign for Hereditary cancer-predisposing syndrome. Last evaluated: 2024-02-16. Review status: criteria provided, single submitter. Criteria: Ambry Variant Classification Scheme 2023. Collection method: clinical testing. Allele origin: germline.